The following is an entry in ClinVar:

ClinVar aggregate classification (germline): Likely pathogenic. Review status: criteria provided, multiple submitters, no conflicts (2 of 4 stars). 3 submissions from 3 submitters: Likely pathogenic (3). Last evaluated 2025-07-31.

Conditions:
Megalencephalic leukoencephalopathy with subcortical cysts. Also called: VAN DER KNAAP DISEASE. Identifiers: Orphanet 2478, MedGen C1858854, MONDO:0011391.
Megalencephalic leukoencephalopathy with subcortical cysts 1 (MLC1). Also called: VACUOLATING MEGALENCEPHALIC LEUKOENCEPHALOPATHY WITH SUBCORTICAL CYSTS; LEUKOENCEPHALOPATHY WITH SWELLING AND CYSTS. Identifiers: Orphanet 2478, MedGen C5779875, MONDO:0024555, OMIM 604004.

Allele frequency attached by ClinVar (database versions not stated): ExAC 0.00001; gnomAD 0.00001; TOPMed 0.00001; gnomAD exomes 0.00002.

Submissions (3):

Natera, Inc.
Classification: Likely pathogenic for Megalencephalic leukoencephalopathy with subcortical cysts. Last evaluated: 2025-07-31. Review status: criteria provided, single submitter. Criteria: Natera Variant Classification Schema (03/2026). Collection method: clinical testing. Allele origin: germline.
Comment: The c.321+2T>G variant in MLC1 is a canonical splice donor site variant predicted to affect pre-mRNA splicing, which may result in an abnormal transcript and altered protein product. This variant is expected to result in nonsense mediated decay, truncation, or a dysfunctional protein product. This variant is rare in the general population with a frequency below the threshold expected for the associated phenotype(s). Given the available evidence, this variant is classified as Likely Pathogenic.

Baylor Genetics
Classification: Likely pathogenic for Megalencephalic leukoencephalopathy with subcortical cysts 1. Last evaluated: 2023-10-26. Review status: criteria provided, single submitter. Criteria: ACMG Guidelines, 2015. Collection method: clinical testing. Allele origin: unknown.

Labcorp Genetics (formerly Invitae), Labcorp
Classification: Likely pathogenic. Last evaluated: 2022-06-27. Review status: criteria provided, single submitter. Criteria: Invitae Variant Classification Sherloc (09022015). Collection method: clinical testing. Allele origin: germline.
Comment: In summary, the currently available evidence indicates that the variant is pathogenic, but additional data are needed to prove that conclusively. Therefore, this variant has been classified as Likely Pathogenic. Algorithms developed to predict the effect of sequence changes on RNA splicing suggest that this variant may disrupt the consensus splice site. This variant has not been reported in the literature in individuals affected with MLC1-related conditions. This variant is present in population databases (rs762436724, gnomAD 0.007%). This sequence change affects a donor splice site in intron 4 of the MLC1 gene. It is expected to disrupt RNA splicing. Variants that disrupt the donor or acceptor splice site typically lead to a loss of protein function (PMID: 16199547), and loss-of-function variants in MLC1 are known to be pathogenic (PMID: 11254442, 16470554, 24824219).

Literature cited by the submitters: PubMed 16199547 (cited by Labcorp Genetics (formerly Invitae), Labcorp); PubMed 11254442 (cited by Labcorp Genetics (formerly Invitae), Labcorp); PubMed 16470554 (cited by Labcorp Genetics (formerly Invitae), Labcorp); PubMed 24824219 (cited by Labcorp Genetics (formerly Invitae), Labcorp).

NM_015166.4(MLC1):c.321+2T>G

Gene: MLC1 (modulator of VRAC current 1; minus strand). Cytogenetic location: 22q13.33.
Variant type: single nucleotide variant.
Coding change: c.321+2T>G on transcript NM_015166.4 (MANE Select); the canonical splice donor site of the intron after coding-DNA position 321, T replaced by G.
Molecular consequence: splice donor variant. On other transcripts: intron variant (2).
Genome position (GRCh38, 1-based): chr22:50,080,342, A>C on the plus strand (T>G on the coding strand, the complement: MLC1 is on the minus strand). VCF-style: chr22-50080342-A-C. GRCh37 (hg19) VCF-style: chr22-50518771-A-C.
Other names: c.321+2T>G (NM_001376474.1, NM_001376475.1, NM_001376476.1 and 8 more transcripts); c.84+2T>G (NM_001376484.1); c.231+2T>G (NM_001376480.1); c.267+2742T>G (NM_001376482.1, NM_001376483.1).
Identifiers: ClinVar variation 1981453 (VCV001981453.6), dbSNP rs762436724, ClinGen allele CA10303611.